The following is an entry in ClinVar:

ClinVar aggregate classification (germline): Uncertain significance (1 of 4 stars; one submission).

Conditions:
Brain small vessel disease 2A, autosomal dominant. Also called: Porencephaly 2. Identifiers: Orphanet 2940, Orphanet 99810, MedGen C3280970, MONDO:0013773, OMIM 614483.

Allele frequency attached by ClinVar (database versions not stated): gnomAD exomes below 0.00001.
gnomAD v4.1: 2 of 1,593,976 alleles (0.00013%); highest among the groups gnomAD compares: Non-Finnish European, 0.000085%; no homozygotes.

Submission:

3billion
Classification: Uncertain significance for Brain small vessel disease 2A, autosomal dominant. Last evaluated: 2022-01-03. Review status: criteria provided, single submitter. Criteria: ACMG Guidelines, 2015. Collection method: clinical testing. Allele origin: germline. Affected: yes. Observed: 1 heterozygote.
Comment: It is not observed in the gnomAD v2.1.1 dataset (PM2_M). A different missense change at the same codon (p.Gly702Asp) has been reported to be associated with COL4A2 related disorder (PMID:24001601, PM5_P). In silico tool predictions suggest damaging effect of the variant on gene or gene product (REVEL: 0.901, PP3_P). Therefore, this variant is classified as uncertain significance according to the recommendation of ACMG/AMP guideline.

Literature cited by the submitters: PubMed 24001601.

NM_001846.4(COL4A2):c.2105G>C (p.Gly702Ala)

Gene: COL4A2 (collagen type IV alpha 2 chain; plus strand). Cytogenetic location: 13q34.
Variant type: single nucleotide variant.
Coding change: c.2105G>C on transcript NM_001846.4 (MANE Select); coding-DNA position 2105, G replaced by C.
Protein change: p.Gly702Ala; replaces glycine 702 with alanine.
Molecular consequence: missense variant.
Genome position (GRCh38, 1-based): chr13:110,469,226, G>C. VCF-style: chr13-110469226-G-C. GRCh37 (hg19) VCF-style: chr13-111121573-G-C.
Other names: short protein forms G702A.
Identifiers: ClinVar variation 1333437 (VCV001333437.1), dbSNP rs2139508226, ClinGen allele CA388740733.